The following is an entry in ClinVar:

ClinVar aggregate classification (germline): Conflicting classifications of pathogenicity. Review status: criteria provided, conflicting classifications (1 of 4 stars). 6 submissions from 6 submitters: Uncertain significance (3); Likely benign (2). 1 of the submissions does not count toward it. Last evaluated 2026-02-01.

Conditions:
Wilson disease (WND). Also called: Wilson's disease. Identifiers: Orphanet 905, MedGen C0019202, MONDO:0010200, OMIM 277900. Disease mechanism: loss of function.

Allele frequency attached by ClinVar (database versions not stated): gnomAD exomes 0.00007; ESP Exome Variant Server 0.00039; gnomAD 0.00041; TOPMed 0.00045.
gnomAD v4.1: 160 of 1,614,062 alleles (0.0099%); highest among the groups gnomAD compares: African/African-American, 0.17%; no homozygotes.

Submissions (6):

Labcorp Genetics (formerly Invitae), Labcorp
Classification: Likely benign for Wilson disease. Last evaluated: 2026-02-01. Review status: criteria provided, single submitter. Criteria: Invitae Variant Classification Sherloc (09022015). Collection method: clinical testing. Allele origin: germline.

GeneDx
Classification: Uncertain significance. Last evaluated: 2026-01-08. Review status: criteria provided, single submitter. Criteria: GeneDx Variant Classification Process June 2021. Collection method: clinical testing. Allele origin: germline. Affected: yes.
Comment: In silico analysis supports that this missense variant has a deleterious effect on protein structure/function; Observed as homozygous in an individual with clinical suspicion for Wilson disease; detailed clinical information was not reported (PMID: 37737146); This variant is associated with the following publications: (PMID: 32579932, 37737146)

Color Diagnostics, LLC DBA Color Health
Classification: Uncertain significance for Wilson disease. Last evaluated: 2025-06-19. Review status: criteria provided, single submitter. Criteria: ACMG Guidelines, 2015. Collection method: clinical testing. Allele origin: germline.
Comment: This missense variant replaces aspartic acid with asparagine at codon 563 of the ATP7B protein. Computational prediction suggests that this variant may not impact protein structure and function. To our knowledge, functional studies have not been reported for this variant. This variant has not been reported in individuals affected with ATP7B-related disorders in the literature. This variant has been identified in 48/280950 chromosomes in the general population by the Genome Aggregation Database (gnomAD). The available evidence is insufficient to determine the role of this variant in disease conclusively. Therefore, this variant is classified as a Variant of Uncertain Significance.

ARUP Laboratories, Molecular Genetics and Genomics, ARUP Laboratories
Classification: Uncertain significance for Wilson disease. Last evaluated: 2023-03-06. Review status: criteria provided, single submitter. Criteria: ARUP Molecular Germline Variant Investigation Process 2024. Collection method: clinical testing. Allele origin: germline.
Comment: The ATP7B c.1687G>A; p.Asp563Asn variant (rs199875471), to our knowledge, is not reported in the medical literature but is reported in ClinVar (Variation ID: 991746). This variant is found in the African population with an allele frequency of 0.17% (40/24,200 alleles) in the Genome Aggregation Database. The aspartate at codon 563 is weakly conserved, and computational analyses are uncertain whether this variant is neutral or deleterious (REVEL: 0.361). Due to limited information, the clinical significance of the p.Asp563Asn variant is uncertain at this time.

Breakthrough Genomics
Classification: Likely benign. Review status: criteria provided, single submitter. Criteria: ACMG Guidelines, 2015. Collection method: not provided. Allele origin: germline. Inheritance: Autosomal recessive inheritance. Affected: yes.

Natera, Inc.
Classification: Uncertain significance for Wilson disease. Last evaluated: 2020-04-15. Review status: no assertion criteria provided. Collection method: clinical testing. Allele origin: germline. Not counted in ClinVar's aggregate classification.

NM_000053.4(ATP7B):c.1687G>A (p.Asp563Asn)

Gene: ATP7B (ATPase copper transporting beta; minus strand). Cytogenetic location: 13q14.3.
Variant type: single nucleotide variant.
Coding change: c.1687G>A on transcript NM_000053.4 (MANE Select); coding-DNA position 1687, G replaced by A.
Protein change: p.Asp563Asn; replaces aspartic acid 563 with asparagine.
Molecular consequence: missense variant.
Genome position (GRCh38, 1-based): chr13:51,968,464, C>T on the plus strand (G>A on the coding strand, the complement: ATP7B is on the minus strand). VCF-style: chr13-51968464-C-T. GRCh37 (hg19) VCF-style: chr13-52542600-C-T.
Other names: c.1687G>A, p.Asp563Asn (NM_001005918.3, NM_001330578.2, NM_001330579.2); c.1354G>A, p.Asp452Asn (NM_001243182.2); c.1687G>A (NM_000053.3); short protein forms D452N, D563N.
Identifiers: ClinVar variation 991746 (VCV000991746.17), dbSNP rs199875471, ClinGen allele CA6989274.